The following is an entry in ClinVar:

NC_000005.9:g.(?_131713846)_(131714183_?)del

Gene: SLC22A5 (solute carrier family 22 member 5; plus strand). Cytogenetic location: 5q31.1.
Variant type: Deletion.
Identifiers: ClinVar variation 1068602 (VCV001068602.6).

ClinVar aggregate classification (germline): Pathogenic (1 of 4 stars; one submission).

Conditions:
Renal carnitine transport defect (CDSP). Also called: Systemic primary carnitine deficiency; Carnitine transporter deficiency; Systemic primary carnitine deficiency disease; CARNITINE DEFICIENCY, SYSTEMIC, DUE TO DEFECT IN RENAL REABSORPTION OF CARNITINE; Primary carnitine deficiency; CARNITINE TRANSPORTER, PLASMA-MEMBRANE, DEFICIENCY OF. Identifiers: Orphanet 158, MedGen C0342788, MONDO:0008919, OMIM 212140.

Submission:

Labcorp Genetics (formerly Invitae), Labcorp
Classification: Pathogenic for Renal carnitine transport defect. Last evaluated: 2021-08-04. Review status: criteria provided, single submitter. Criteria: Invitae Variant Classification Sherloc (09022015). Collection method: clinical testing. Allele origin: germline.
Comment: This variant is a gross deletion of the genomic region encompassing exon(s) 2 of the SLC22A5 gene. This deletion is out-of-frame, and is expected to create a premature translational stop signal and result in an absent or disrupted protein product. Loss-of-function variants in SLC22A5 are known to be pathogenic (PMID: 9916797). A similar copy number variant has been observed in individual(s) with primary carnitine deficiency (PMID: 26190315). For these reasons, this variant has been classified as Pathogenic.

Literature cited by the submitters: PubMed 9916797; PubMed 26190315.